The following is an entry in ClinVar:

NM_005120.3(MED12):c.5978A>C (p.Gln1993Pro)

Gene: MED12 (mediator complex subunit 12; plus strand). Cytogenetic location: Xq13.1.
Variant type: single nucleotide variant.
Coding change: c.5978A>C on transcript NM_005120.3 (MANE Select); coding-DNA position 5978, A replaced by C.
Protein change: p.Gln1993Pro; replaces glutamine 1993 with proline.
Molecular consequence: missense variant.
Genome position (GRCh38, 1-based): chrX:71,137,877, A>C. VCF-style: chrX-71137877-A-C. GRCh37 (hg19) VCF-style: chrX-70357727-A-C.
Other names: short protein forms Q1993P.
Identifiers: ClinVar variation 1942743 (VCV001942743.7), dbSNP rs1369528141, ClinGen allele CA413539485.

ClinVar aggregate classification (germline): Conflicting classifications of pathogenicity. Review status: criteria provided, conflicting classifications (1 of 4 stars). 2 submissions from 2 submitters: Uncertain significance (1); Likely benign (1). Last evaluated 2025-01-24.

Conditions:
FG syndrome (FGS). Identifiers: MedGen C0220769, MONDO:0002010.

Allele frequency attached by ClinVar (database versions not stated): TOPMed 0.00001; gnomAD 0.00002.
gnomAD v4.1: 2 of 1,209,726 alleles (0.00017%); highest among the groups gnomAD compares: African/African-American, 0.0035%; no homozygotes.

Submissions (2):

Women's Health and Genetics/Laboratory Corporation of America, LabCorp
Classification: Uncertain significance. Last evaluated: 2025-01-24. Review status: criteria provided, single submitter. Criteria: LabCorp Variant Classification Summary - May 2015. Collection method: clinical testing. Allele origin: germline.
Comment: Variant summary: MED12 c.5978A>C (p.Gln1993Pro) results in a non-conservative amino acid change located in the Eukaryotic Mediator 12 catenin-binding domain (IPR021989) of the encoded protein sequence. Three of five in-silico tools predict a damaging effect of the variant on protein function. The variant allele was found at a frequency of 5.5e-06 in 181811 control chromosomes, including 1 hemizygote. The available data on variant occurrences in the general population are insufficient to allow any conclusion about variant significance. To our knowledge, no occurrence of c.5978A>C in individuals affected with MED12-Related Disorders and no experimental evidence demonstrating its impact on protein function have been reported. ClinVar contains an entry for this variant (Variation ID: 1942743). Based on the evidence outlined above, the variant was classified as uncertain significance.

Labcorp Genetics (formerly Invitae), Labcorp
Classification: Likely benign for FG syndrome. Last evaluated: 2022-07-16. Review status: criteria provided, single submitter. Criteria: Invitae Variant Classification Sherloc (09022015). Collection method: clinical testing. Allele origin: germline.